The following is an entry in ClinVar:

NM_000548.5(TSC2):c.5260-13_5260-12insTTGC

Gene: TSC2 (TSC complex subunit 2; plus strand). Cytogenetic location: 16p13.3.
Variant type: Insertion.
Coding change: c.5260-13_5260-12insTTGC on transcript NM_000548.5 (MANE Select); 13 bases into the intron before coding-DNA position 5260 through 12 bases into the intron before coding-DNA position 5260, TTGC inserted.
Molecular consequence: intron variant.
Genome position: GRCh38 VCF-style: chr16-2088431-C-CGCTT. GRCh37 (hg19) VCF-style: chr16-2138432-C-CGCTT.
Other names: c.3718-13_3718-12insTTGC (NM_001406693.1, NM_001406692.1, NM_001406694.1); c.5152-13_5152-12insTTGC (NM_001406667.1); c.5149-13_5149-12insTTGC (NM_001406668.1); c.4660-13_4660-12insTTGC (NM_001406680.1); c.4591-13_4591-12insTTGC (NM_001406683.1, NM_001406682.1); c.4459-13_4459-12insTTGC (NM_001406687.1, NM_001406688.1); c.3847-13_3847-12insTTGC (NM_001406689.1); c.3787-13_3787-12insTTGC (NM_001406690.1); and 27 more.
Identifiers: ClinVar variation 2749652 (VCV002749652.3), dbSNP rs2544508555, ClinGen allele CA2697549444.

ClinVar aggregate classification (germline): Uncertain significance (1 of 4 stars; one submission).

Conditions:
Tuberous sclerosis 2 (TSC2). Identifiers: Orphanet 805, MedGen C1860707, MONDO:0013199, OMIM 613254.

Submission:

Labcorp Genetics (formerly Invitae), Labcorp
Classification: Uncertain significance for Tuberous sclerosis 2. Last evaluated: 2023-08-03. Review status: criteria provided, single submitter. Criteria: Invitae Variant Classification Sherloc (09022015). Collection method: clinical testing. Allele origin: germline.
Comment: This variant has not been reported in the literature in individuals affected with TSC2-related conditions. In summary, the available evidence is currently insufficient to determine the role of this variant in disease. Therefore, it has been classified as a Variant of Uncertain Significance. Algorithms developed to predict the effect of sequence changes on RNA splicing suggest that this variant may disrupt the consensus splice site. This variant is not present in population databases (gnomAD no frequency). This sequence change falls in intron 41 of the TSC2 gene. It does not directly change the encoded amino acid sequence of the TSC2 protein.